The following is an entry in ClinVar:

ClinVar aggregate classification (germline): Uncertain significance (1 of 4 stars; one submission).

Conditions:
MEGF10-related myopathy (CMYO10A). Also called: Congenital myopathy 10A, severe variant. Identifiers: Orphanet 439212, MedGen C3280679, MONDO:0013731, OMIM 614399.

gnomAD v4.1: 1 of 1,612,556 alleles (0.000062%); no homozygotes.

Submission:

Labcorp Genetics (formerly Invitae), Labcorp
Classification: Uncertain significance for MEGF10-related myopathy. Last evaluated: 2022-07-11. Review status: criteria provided, single submitter. Criteria: Invitae Variant Classification Sherloc (09022015). Collection method: clinical testing. Allele origin: germline.
Comment: This sequence change replaces glutamic acid, which is acidic and polar, with lysine, which is basic and polar, at codon 658 of the MEGF10 protein (p.Glu658Lys). This variant is not present in population databases (gnomAD no frequency). This variant has not been reported in the literature in individuals affected with MEGF10-related conditions. ClinVar contains an entry for this variant (Variation ID: 859289). Algorithms developed to predict the effect of missense changes on protein structure and function (SIFT, PolyPhen-2, Align-GVGD) all suggest that this variant is likely to be disruptive. In summary, the available evidence is currently insufficient to determine the role of this variant in disease. Therefore, it has been classified as a Variant of Uncertain Significance.

NM_001256545.2(MEGF10):c.1972G>A (p.Glu658Lys)

Gene: MEGF10 (multiple EGF like domains 10; plus strand). Cytogenetic location: 5q23.2.
Variant type: single nucleotide variant.
Coding change: c.1972G>A on transcript NM_001256545.2 (MANE Select); coding-DNA position 1972, G replaced by A.
Protein change: p.Glu658Lys; replaces glutamic acid 658 with lysine.
Molecular consequence: missense variant.
Genome position (GRCh38, 1-based): chr5:127,434,818, G>A. VCF-style: chr5-127434818-G-A. GRCh37 (hg19) VCF-style: chr5-126770510-G-A.
Other names: c.1972G>A, p.Glu658Lys (NM_032446.3); short protein forms E658K.
Identifiers: ClinVar variation 859289 (VCV000859289.7), dbSNP rs1765502480, ClinGen allele CA360732436.
Genomic context (GRCh38, chr5:127,434,818, plus strand): 5'-TGCCACCACATCACCGGCCTGTGTGACTGCTTGCCTGGCTTCACAGGCGCCCTCTGCAAT[G>A]AAGGTAAGGCACGAAGCATCCCGGACAGCTGGGTGGTGATGAGCACGCCCCGGAGAGTCT-3'
Protein context (NP_001243474.1, residues 648-668): LPGFTGALCN[Glu658Lys]VCPSGRFGKN